The following is an entry in ClinVar:

NM_000660.7(TGFB1):c.1129G>A (p.Glu377Lys)

Gene: TGFB1 (transforming growth factor beta 1; minus strand). Cytogenetic location: 19q13.2.
Variant type: single nucleotide variant.
Coding change: c.1129G>A on transcript NM_000660.7 (MANE Select); coding-DNA position 1129, G replaced by A.
Protein change: p.Glu377Lys; replaces glutamic acid 377 with lysine.
Molecular consequence: missense variant.
Genome position (GRCh38, 1-based): chr19:41,331,096, C>T on the plus strand (G>A on the coding strand, the complement: TGFB1 is on the minus strand). VCF-style: chr19-41331096-C-T. GRCh37 (hg19) VCF-style: chr19-41837001-C-T.
Other names: short protein forms E377K.
Identifiers: ClinVar variation 2748256 (VCV002748256.3), dbSNP rs2513371832, ClinGen allele CA405997708.

ClinVar aggregate classification (germline): Uncertain significance (1 of 4 stars; one submission).

Submission:

Labcorp Genetics (formerly Invitae), Labcorp
Classification: Uncertain significance. Last evaluated: 2023-09-05. Review status: criteria provided, single submitter. Criteria: Invitae Variant Classification Sherloc (09022015). Collection method: clinical testing. Allele origin: germline.
Comment: In summary, the available evidence is currently insufficient to determine the role of this variant in disease. Therefore, it has been classified as a Variant of Uncertain Significance. Advanced modeling of protein sequence and biophysical properties (such as structural, functional, and spatial information, amino acid conservation, physicochemical variation, residue mobility, and thermodynamic stability) performed at Invitae indicates that this missense variant is not expected to disrupt TGFB1 protein function. This variant has not been reported in the literature in individuals affected with TGFB1-related conditions. This variant is not present in population databases (gnomAD no frequency). This sequence change replaces glutamic acid, which is acidic and polar, with lysine, which is basic and polar, at codon 377 of the TGFB1 protein (p.Glu377Lys).